The following is an entry in ClinVar:

NM_001040108.2(MLH3):c.902A>T (p.Glu301Val)

Gene: MLH3 (mutL homolog 3; minus strand). Cytogenetic location: 14q24.3.
Variant type: single nucleotide variant.
Coding change: c.902A>T on transcript NM_001040108.2 (MANE Select); coding-DNA position 902, A replaced by T.
Protein change: p.Glu301Val; replaces glutamic acid 301 with valine.
Molecular consequence: missense variant.
Genome position (GRCh38, 1-based): chr14:75,048,754, T>A on the plus strand (A>T on the coding strand, the complement: MLH3 is on the minus strand). VCF-style: chr14-75048754-T-A. GRCh37 (hg19) VCF-style: chr14-75515457-T-A.
Other names: c.902A>T, p.Glu301Val (NM_014381.3); short protein forms E301V.
Identifiers: ClinVar variation 544293 (VCV000544293.17), dbSNP rs77687901, ClinGen allele CA7275948.

ClinVar aggregate classification (germline): Conflicting classifications of pathogenicity. Review status: criteria provided, conflicting classifications (1 of 4 stars). 4 submissions from 4 submitters: Uncertain significance (2); Likely benign (1). 1 of the submissions does not count toward it. Last evaluated 2025-12-16.

Conditions:
MLH3-related disorder. Also called: MLH3-related condition.
Colorectal cancer. Also called: Malignant Colorectal Neoplasm; Colorectal cancer, somatic. Identifiers: MedGen C0346629, MONDO:0005575, OMIM 114500.
Endometrial carcinoma. Also called: Endometrial carcinoma, somatic. Identifiers: MedGen C0476089, MONDO:0002447, OMIM 608089, HP:0012114.
Colorectal cancer, hereditary nonpolyposis, type 7. Identifiers: Orphanet 144, MedGen C1858380, MONDO:0013725, OMIM 614385.

Allele frequency attached by ClinVar (database versions not stated): gnomAD exomes 0.00004 and 0.00008; ExAC 0.00009; 1000 Genomes Project 0.00020; 1000 Genomes Project 30x 0.00031; gnomAD 0.00037 and 0.00040; TOPMed 0.00037; ESP Exome Variant Server 0.00054.
gnomAD v4.1: 114 of 1,614,148 alleles (0.0071%); highest among the groups gnomAD compares: African/African-American, 0.14%; no homozygotes.

Submissions (4):

Labcorp Genetics (formerly Invitae), Labcorp
Classification: Likely benign for Colorectal cancer, hereditary nonpolyposis, type 7. Last evaluated: 2025-12-16. Review status: criteria provided, single submitter. Criteria: Invitae Variant Classification Sherloc (09022015). Collection method: clinical testing. Allele origin: germline.

Ambry Genetics
Classification: Uncertain significance. Last evaluated: 2024-09-01. Review status: criteria provided, single submitter. Criteria: Ambry Variant Classification Scheme 2023. Collection method: clinical testing. Allele origin: germline.
Comment: The p.E301V variant (also known as c.902A>T), located in coding exon 1 of the MLH3 gene, results from an A to T substitution at nucleotide position 902. The glutamic acid at codon 301 is replaced by valine, an amino acid with dissimilar properties. This amino acid position is well conserved in available vertebrate species. In addition, the in silico prediction for this alteration is inconclusive. The evidence for this gene-disease relationship is limited; therefore, the clinical significance of this alteration is unclear.

Fulgent Genetics
Classification: Uncertain significance for Colorectal cancer; Endometrial carcinoma; Colorectal cancer, hereditary nonpolyposis, type 7. Last evaluated: 2024-05-07. Review status: criteria provided, single submitter. Criteria: ACMG Guidelines, 2015. Collection method: clinical testing. Allele origin: germline.

PreventionGenetics, part of Exact Sciences
Classification: Likely benign for MLH3-related condition. Last evaluated: 2019-12-04. Review status: no assertion criteria provided. Collection method: clinical testing. Allele origin: germline. Not counted in ClinVar's aggregate classification.
Comment: This variant is classified as likely benign based on ACMG/AMP sequence variant interpretation guidelines (Richards et al. 2015 PMID: 25741868, with internal and published modifications).